The following is an entry in ClinVar:

ClinVar aggregate classification (germline): Uncertain significance. Review status: criteria provided, multiple submitters, no conflicts (2 of 4 stars). 3 submissions from 3 submitters: Uncertain significance (3). Last evaluated 2026-01-13.

Conditions:
Congenital contractural arachnodactyly (CCA). Also called: BEALS SYNDROME; Beals-Hecht syndrome; Arthrogryposis, distal, type 9. Identifiers: Orphanet 115, MedGen C0220668, MONDO:0007363, OMIM 121050.
Familial thoracic aortic aneurysm and aortic dissection (TAAD). Also called: Thoracic aortic aneurysms and dissections. Identifiers: Orphanet 91387, MedGen C4707243, MONDO:0019625.

Allele frequency attached by ClinVar (database versions not stated): ExAC 0.00002; gnomAD 0.00002; TOPMed 0.00002; gnomAD exomes 0.00003 and 0.00005.
gnomAD v4.1: 69 of 1,613,450 alleles (0.0043%); highest among the groups gnomAD compares: Non-Finnish European, 0.0057%; no homozygotes.

Submissions (3):

Labcorp Genetics (formerly Invitae), Labcorp
Classification: Uncertain significance for Congenital contractural arachnodactyly. Last evaluated: 2026-01-13. Review status: criteria provided, single submitter. Criteria: Invitae Variant Classification Sherloc (09022015). Collection method: clinical testing. Allele origin: germline.
Comment: This sequence change replaces tyrosine, which is neutral and polar, with cysteine, which is neutral and slightly polar, at codon 2504 of the FBN2 protein (p.Tyr2504Cys). This variant is present in population databases (rs764032053, gnomAD 0.007%). This variant has not been reported in the literature in individuals affected with FBN2-related conditions. ClinVar contains an entry for this variant (Variation ID: 519836). Invitae Evidence Modeling of protein sequence and biophysical properties (such as structural, functional, and spatial information, amino acid conservation, physicochemical variation, residue mobility, and thermodynamic stability) indicates that this missense variant is expected to disrupt FBN2 protein function with a positive predictive value of 80%. In summary, the available evidence is currently insufficient to determine the role of this variant in disease. Therefore, it has been classified as a Variant of Uncertain Significance.

Ambry Genetics
Classification: Uncertain significance for Familial thoracic aortic aneurysm and aortic dissection. Last evaluated: 2024-12-11. Review status: criteria provided, single submitter. Criteria: Ambry Variant Classification Scheme 2023. Collection method: clinical testing. Allele origin: germline.
Comment: The p.Y2504C variant (also known as c.7511A>G), located in coding exon 59 of the FBN2 gene, results from an A to G substitution at nucleotide position 7511, and is located in a cbEGF-like domain. The tyrosine at codon 2504 is replaced by cysteine, an amino acid with highly dissimilar properties. This amino acid position is poorly conserved in available vertebrate species. In addition, the in silico prediction for this alteration is inconclusive. Since supporting evidence is limited at this time, the clinical significance of this alteration remains unclear.

GeneDx
Classification: Uncertain significance. Last evaluated: 2021-03-16. Review status: criteria provided, single submitter. Criteria: GeneDx Variant Classification Process June 2021. Collection method: clinical testing. Allele origin: germline. Affected: yes.
Comment: Has not been previously published as pathogenic or benign to our knowledge; In silico analysis, which includes protein predictors and evolutionary conservation, supports a deleterious effect; Reported in ClinVar as a variant of uncertain significance (ClinVar Variant ID# 519836; Landrum et al., 2016)

NM_001999.4(FBN2):c.7511A>G (p.Tyr2504Cys)

Gene: FBN2 (fibrillin 2; minus strand). Cytogenetic location: 5q23.3.
Variant type: single nucleotide variant.
Coding change: c.7511A>G on transcript NM_001999.4 (MANE Select); coding-DNA position 7511, A replaced by G.
Protein change: p.Tyr2504Cys; replaces tyrosine 2504 with cysteine.
Molecular consequence: missense variant.
Genome position (GRCh38, 1-based): chr5:128,276,121, T>C on the plus strand (A>G on the coding strand, the complement: FBN2 is on the minus strand). VCF-style: chr5-128276121-T-C. GRCh37 (hg19) VCF-style: chr5-127611813-T-C.
Other names: short protein forms Y2504C.
Identifiers: ClinVar variation 519836 (VCV000519836.15), dbSNP rs764032053, ClinGen allele CA3394098.
Genomic context (GRCh38, chr5:128,276,121, plus strand): 5'-TGCAGGACATACCCCCTCGGACATGAACACTGATAACTCCCCTCAGTGTTCTTGCAGATG[T>C]AGTTGCATGGTTTCGGGGACTGGGAGCATTCATCAAGGTCTAAGTAAAAGTGATGTGAAG-3'
Protein context (NP_001990.2, residues 2494-2514): ECSQSPKPCN[Tyr2504Cys]ICKNTEGSYQ